The following is an entry in ClinVar:

ClinVar aggregate classification (germline): Uncertain significance. Review status: criteria provided, multiple submitters, no conflicts (2 of 4 stars). 3 submissions from 3 submitters: Uncertain significance (3). Last evaluated 2025-10-07.

Conditions:
Thrombomodulin-related bleeding disorder (THPH12). Also called: Thrombophilia due to thrombomodulin defect. Identifiers: Orphanet 436169, MedGen C3280976, MONDO:0013775, OMIM 614486.
Atypical hemolytic-uremic syndrome with thrombomodulin anomaly. Also called: HEMOLYTIC UREMIC SYNDROME, ATYPICAL, SUSCEPTIBILITY TO, 6; AHUS, SUSCEPTIBILITY TO, 6. Identifiers: MedGen C2752036, MONDO:0013044, OMIM 612926. Disease mechanism: gain of function.

gnomAD v4.1: 20 of 1,546,220 alleles (0.0013%); highest among the groups gnomAD compares: Middle Eastern, 0.02%; no homozygotes.

Submissions (3):

Labcorp Genetics (formerly Invitae), Labcorp
Classification: Uncertain significance. Last evaluated: 2025-10-07. Review status: criteria provided, single submitter. Criteria: Invitae Variant Classification Sherloc (09022015). Collection method: clinical testing. Allele origin: germline.
Comment: This sequence change replaces valine, which is neutral and non-polar, with isoleucine, which is neutral and non-polar, at codon 81 of the THBD protein (p.Val81Ile). This variant is not present in population databases (gnomAD no frequency). This missense change has been observed in individual(s) with atypical hemolytic uremic syndrome (PMID: 19625716, 31118930). ClinVar contains an entry for this variant (Variation ID: 1358168). An algorithm developed to predict the effect of missense changes on protein structure and function (PolyPhen-2) suggests that this variant is likely to be tolerated. In summary, the available evidence is currently insufficient to determine the role of this variant in disease. Therefore, it has been classified as a Variant of Uncertain Significance.

Genomenon, Inc
Classification: Uncertain significance for Thrombomodulin-related bleeding disorder. Last evaluated: 2025-09-22. Review status: criteria provided, single submitter. Criteria: Genomenon Sequence Variant Interpretation Standards - Updated. Collection method: curation. Allele origin: germline. Affected: no.
Comment: THBD p.Val81Ile (c.241G>A) is a missense variant that changes the amino acid at residue 81 from Valine to Isoleucine. This variant has been reported in the published literature (PMID:31118930;19625716). It is absent or not present at a significant frequency in gnomAD. In conclusion, we classify THBD p.Val81Ile (c.241G>A) as a variant of unknown significance.

Fulgent Genetics
Classification: Uncertain significance for Atypical hemolytic-uremic syndrome with thrombomodulin anomaly; Thrombomodulin-related bleeding disorder. Last evaluated: 2022-03-24. Review status: criteria provided, single submitter. Criteria: ACMG Guidelines, 2015. Collection method: clinical testing. Allele origin: unknown.

Literature cited by the submitters: PubMed 19625716 (cited by Labcorp Genetics (formerly Invitae), Labcorp and Genomenon, Inc); PubMed 31118930 (cited by Labcorp Genetics (formerly Invitae), Labcorp and Genomenon, Inc).

NM_000361.3(THBD):c.241G>A (p.Val81Ile)

Gene: THBD (thrombomodulin; minus strand). Cytogenetic location: 20p11.21.
Variant type: single nucleotide variant.
Coding change: c.241G>A on transcript NM_000361.3 (MANE Select); coding-DNA position 241, G replaced by A.
Protein change: p.Val81Ile; replaces valine 81 with isoleucine.
Molecular consequence: missense variant.
Genome position (GRCh38, 1-based): chr20:23,049,264, C>T on the plus strand (G>A on the coding strand, the complement: THBD is on the minus strand). VCF-style: chr20-23049264-C-T. GRCh37 (hg19) VCF-style: chr20-23029901-C-T.
Other names: short protein forms V81I.
Identifiers: ClinVar variation 1358168 (VCV001358168.10), dbSNP rs772288987, ClinGen allele CA9787765.